The following is an entry in ClinVar:

ClinVar aggregate classification (germline): Uncertain significance (1 of 4 stars; one submission).

Submission:

Labcorp Genetics (formerly Invitae), Labcorp
Classification: Uncertain significance. Last evaluated: 2021-11-06. Review status: criteria provided, single submitter. Criteria: Invitae Variant Classification Sherloc (09022015). Collection method: clinical testing. Allele origin: germline.
Comment: In summary, the available evidence is currently insufficient to determine the role of this variant in disease. Therefore, it has been classified as a Variant of Uncertain Significance. Algorithms developed to predict the effect of missense changes on protein structure and function (SIFT, PolyPhen-2, Align-GVGD) all suggest that this variant is likely to be tolerated. This variant has not been reported in the literature in individuals affected with C3-related conditions. This variant is not present in population databases (gnomAD no frequency). This sequence change replaces lysine, which is basic and polar, with arginine, which is basic and polar, at codon 1051 of the C3 protein (p.Lys1051Arg).

NM_000064.4(C3):c.3152A>G (p.Lys1051Arg)

Gene: C3 (complement C3; minus strand). Cytogenetic location: 19p13.3.
Variant type: single nucleotide variant.
Coding change: c.3152A>G on transcript NM_000064.4 (MANE Select); coding-DNA position 3152, A replaced by G.
Protein change: p.Lys1051Arg; replaces lysine 1051 with arginine.
Molecular consequence: missense variant.
Genome position (GRCh38, 1-based): chr19:6,694,433, T>C on the plus strand (A>G on the coding strand, the complement: C3 is on the minus strand). VCF-style: chr19-6694433-T-C. GRCh37 (hg19) VCF-style: chr19-6694444-T-C.
Other names: short protein forms K1051R.
Identifiers: ClinVar variation 1391718 (VCV001391718.6), dbSNP rs575541524, ClinGen allele CA403628333.